The following is an entry in ClinVar:

ClinVar aggregate classification (germline): Uncertain significance (1 of 4 stars; one submission).

Submission:

Labcorp Genetics (formerly Invitae), Labcorp
Classification: Uncertain significance. Last evaluated: 2023-08-29. Review status: criteria provided, single submitter. Criteria: Invitae Variant Classification Sherloc (09022015). Collection method: clinical testing. Allele origin: germline.
Comment: In summary, the available evidence is currently insufficient to determine the role of this variant in disease. Therefore, it has been classified as a Variant of Uncertain Significance. Algorithms developed to predict the effect of sequence changes on RNA splicing suggest that this variant may create or strengthen a splice site. This variant has not been reported in the literature in individuals affected with UCHL1-related conditions. This variant is not present in population databases (gnomAD no frequency). This sequence change falls in intron 6 of the UCHL1 gene. It does not directly change the encoded amino acid sequence of the UCHL1 protein.

NM_004181.5(UCHL1):c.460-19A>G

Gene: UCHL1 (ubiquitin C-terminal hydrolase L1; plus strand). Cytogenetic location: 4p13.
Variant type: single nucleotide variant.
Coding change: c.460-19A>G on transcript NM_004181.5 (MANE Select); 19 bases into the intron before coding-DNA position 460, A replaced by G.
Molecular consequence: intron variant.
Genome position (GRCh38, 1-based): chr4:41,263,206, A>G. VCF-style: chr4-41263206-A-G. GRCh37 (hg19) VCF-style: chr4-41265223-A-G.
Identifiers: ClinVar variation 2745700 (VCV002745700.3), dbSNP rs2551922916, ClinGen allele CA2670449162.